The following is an entry in ClinVar:

NM_001103.4(ACTN2):c.2587A>C (p.Ile863Leu)

Gene: ACTN2 (actinin alpha 2; plus strand). Cytogenetic location: 1q43.
Variant type: single nucleotide variant.
Coding change: c.2587A>C on transcript NM_001103.4 (MANE Select); coding-DNA position 2587, A replaced by C.
Protein change: p.Ile863Leu; replaces isoleucine 863 with leucine.
Molecular consequence: missense variant.
Genome position (GRCh38, 1-based): chr1:236,762,521, A>C. VCF-style: chr1-236762521-A-C. GRCh37 (hg19) VCF-style: chr1-236925821-A-C.
Other names: c.2587A>C, p.Ile863Leu (NM_001278343.2); c.1963A>C, p.Ile655Leu (NM_001278344.2); short protein forms I863L, I655L.
Identifiers: ClinVar variation 43932 (VCV000043932.15), dbSNP rs397516577, ClinGen allele CA133188.

ClinVar aggregate classification (germline): Uncertain significance. Review status: criteria provided, multiple submitters, no conflicts (2 of 4 stars). 7 submissions from 7 submitters: Uncertain significance (4). 3 of the submissions do not count toward it. Last evaluated 2026-07-26.

Conditions:
Cardiovascular phenotype. Identifiers: MedGen CN230736.
Myopathy, congenital, with structured cores and z-line abnormalities. Also called: CONGENITAL MYOPATHY 8; MULTIPLE STRUCTURED CORE DISEASE. Identifiers: MedGen C5231445, MONDO:0032852, OMIM 618654.
Myopathy, distal, 6, adult-onset, autosomal dominant. Identifiers: MedGen C5203349, MONDO:0032853, OMIM 618655.
Dilated cardiomyopathy 1AA (CMD1AA). Also called: CARDIOMYOPATHY, FAMILIAL HYPERTROPHIC, 23, WITH OR WITHOUT LEFT VENTRICULAR NONCOMPACTION; CARDIOMYOPATHY, DILATED, 1AA, WITH OR WITHOUT LEFT VENTRICULAR NONCOMPACTION; Cardiomyopathy, dilated, 1AA, with or without LVNC. Identifiers: Orphanet 154, MedGen C2677338, MONDO:0012808, OMIM 612158.
Primary familial hypertrophic cardiomyopathy (HCM). Identifiers: Orphanet 99739, MedGen C0949658, MeSH D024741, MONDO:0024573. Inheritance: Various modes of inheritance.

Allele frequency attached by ClinVar (database versions not stated): TOPMed 0.00002.
gnomAD v4.1: 12 of 1,614,036 alleles (0.00074%); highest among the groups gnomAD compares: Non-Finnish European, 0.001%; no homozygotes.

Submissions (7):

Ambry Genetics
Classification: Uncertain significance for Cardiovascular phenotype. Last evaluated: 2026-07-26. Review status: criteria provided, single submitter. Criteria: Ambry Variant Classification Scheme 2023. Collection method: clinical testing. Allele origin: germline.
Comment: The p.I863L variant (also known as c.2587A>C), located in coding exon 21 of the ACTN2 gene, results from an A to C substitution at nucleotide position 2587. The isoleucine at codon 863 is replaced by leucine, an amino acid with highly similar properties. This amino acid position is conserved. In addition, this alteration is predicted to be tolerated by in silico analysis. Based on the available evidence, the clinical significance of this variant remains unclear.

Labcorp Genetics (formerly Invitae), Labcorp
Classification: Uncertain significance for Primary familial hypertrophic cardiomyopathy; Dilated cardiomyopathy 1AA. Last evaluated: 2022-10-04. Review status: criteria provided, single submitter. Criteria: Invitae Variant Classification Sherloc (09022015). Collection method: clinical testing. Allele origin: germline.
Comment: ClinVar contains an entry for this variant (Variation ID: 43932). This variant has not been reported in the literature in individuals affected with ACTN2-related conditions. This variant is present in population databases (rs397516577, gnomAD 0.002%). This sequence change replaces isoleucine, which is neutral and non-polar, with leucine, which is neutral and non-polar, at codon 863 of the ACTN2 protein (p.Ile863Leu). In summary, the available evidence is currently insufficient to determine the role of this variant in disease. Therefore, it has been classified as a Variant of Uncertain Significance. Algorithms developed to predict the effect of missense changes on protein structure and function output the following: SIFT: "Tolerated"; PolyPhen-2: "Benign"; Align-GVGD: "Class C0". The leucine amino acid residue is found in multiple mammalian species, which suggests that this missense change does not adversely affect protein function.

Fulgent Genetics
Classification: Uncertain significance for Dilated cardiomyopathy 1AA; Myopathy, congenital, with structured cores and z-line abnormalities; Myopathy, distal, 6, adult-onset, autosomal dominant. Last evaluated: 2021-10-12. Review status: criteria provided, single submitter. Criteria: ACMG Guidelines, 2015. Collection method: clinical testing. Allele origin: unknown.

Laboratory for Molecular Medicine, Mass General Brigham Personalized Medicine
Classification: Uncertain significance. Last evaluated: 2013-03-01. Review status: criteria provided, single submitter. Criteria: LMM Criteria. Collection method: clinical testing. Allele origin: germline. Observed: 1 variant allele.
Comment: The Ile863Leu variant in ACTN2 has not been reported in the literature nor previ ously identified by our laboratory. This variant has also not been identified in large European American and African American populations by the NHLBI Exome Seq uencing Project, though it may be common in other populations. Isoleucine at position 863 is generally conserved in evolu tion although a leucine (this variant) is present in 1 mammalian species and fro g. Other computational analyses (biochemical amino acid properties, AlignGVGD, P olyphen2, and SIFT) suggest that the Ile863Leu variant may not impact the protei n, though this information is not predictive enough to rule out pathogenicity. A dditional studies are needed to fully assess the clinical significance of this v ariant.

Clinical Genetics, Academic Medical Center
Classification: Likely benign. Review status: no assertion criteria provided. Collection method: clinical testing. Allele origin: germline. Affected: yes. Study: VKGL Data-share Consensus. Not counted in ClinVar's aggregate classification.

Diagnostic Laboratory, Department of Genetics, University Medical Center Groningen
Classification: Likely benign for Dilated cardiomyopathy 1AA. Review status: no assertion criteria provided. Collection method: clinical testing. Allele origin: germline. Affected: yes. Study: VKGL Data-share Consensus. Not counted in ClinVar's aggregate classification.

Joint Genome Diagnostic Labs from Nijmegen and Maastricht, Radboudumc and MUMC+
Classification: Likely benign. Review status: no assertion criteria provided. Collection method: clinical testing. Allele origin: germline. Affected: yes. Study: VKGL Data-share Consensus. Not counted in ClinVar's aggregate classification.